The following is an entry in ClinVar:

ClinVar aggregate classification (germline): Uncertain significance. Review status: criteria provided, multiple submitters, no conflicts (2 of 4 stars). 2 submissions from 2 submitters: Uncertain significance (2). Last evaluated 2024-06-26.

Conditions:
Neurodevelopmental disorder with impaired speech and hyperkinetic movements. Identifiers: MedGen C5193088, MONDO:0032741, OMIM 618425.
Inborn genetic diseases. Identifiers: MedGen C0950123, MeSH D030342.

Allele frequency attached by ClinVar (database versions not stated): gnomAD exomes 0.00006 and 0.00008; ExAC 0.00008; TOPMed 0.00009; gnomAD 0.00002 and 0.00003.
gnomAD v4.1: 91 of 1,612,794 alleles (0.0056%); highest among the groups gnomAD compares: Admixed American, 0.033%; no homozygotes.

Submissions (2):

Ambry Genetics
Classification: Uncertain significance for Inborn genetic diseases. Last evaluated: 2024-06-26. Review status: criteria provided, single submitter. Criteria: Ambry Variant Classification Scheme 2023. Collection method: clinical testing. Allele origin: germline.

Baylor Genetics
Classification: Uncertain significance for Neurodevelopmental disorder with impaired speech and hyperkinetic movements. Last evaluated: 2020-04-10. Review status: criteria provided, single submitter. Criteria: ACMG Guidelines, 2015. Collection method: clinical testing. Allele origin: unknown. Affected: yes.
Comment: This variant was determined to be of uncertain significance according to ACMG Guidelines, 2015 [PMID:25741868].

NM_001379659.1(ZNF142):c.4717C>T (p.Arg1573Trp)

Gene: ZNF142 (zinc finger protein 142; minus strand). Cytogenetic location: 2q35.
Variant type: single nucleotide variant.
Coding change: c.4717C>T on transcript NM_001379659.1 (MANE Select); coding-DNA position 4717, C replaced by T.
Protein change: p.Arg1573Trp; replaces arginine 1573 with tryptophan.
Molecular consequence: missense variant.
Genome position (GRCh38, 1-based): chr2:218,642,399, G>A on the plus strand (C>T on the coding strand, the complement: ZNF142 is on the minus strand). VCF-style: chr2-218642399-G-A. GRCh37 (hg19) VCF-style: chr2-219507122-G-A.
Other names: c.4117C>T, p.Arg1373Trp (NM_001105537.5, NM_001366291.3, NM_001379662.1); c.3628C>T, p.Arg1210Trp (NM_001366287.3, NM_001366288.3, NM_001366289.3); c.4717C>T, p.Arg1573Trp (NM_001366290.3, NM_001379660.1, NM_001379661.1); short protein forms R1210W, R1373W, R1573W.
Identifiers: ClinVar variation 1030151 (VCV001030151.4), dbSNP rs778031136, ClinGen allele CA2108708.